The following is an entry in ClinVar:

NM_020964.3(EPG5):c.4163C>T (p.Pro1388Leu)

Gene: EPG5 (ectopic P-granules 5 autophagy tethering factor; minus strand). Cytogenetic location: 18q21.1.
Variant type: single nucleotide variant.
Coding change: c.4163C>T on transcript NM_020964.3 (MANE Select); coding-DNA position 4163, C replaced by T.
Protein change: p.Pro1388Leu; replaces proline 1388 with leucine.
Molecular consequence: missense variant.
Genome position (GRCh38, 1-based): chr18:45,910,563, G>A on the plus strand (C>T on the coding strand, the complement: EPG5 is on the minus strand). VCF-style: chr18-45910563-G-A. GRCh37 (hg19) VCF-style: chr18-43490528-G-A.
Other names: c.4163C>T, p.Pro1388Leu (LRG_1234t1); short protein forms P1388L.
Identifiers: ClinVar variation 534596 (VCV000534596.10), dbSNP rs543543733, ClinGen allele CA8948970.

ClinVar aggregate classification (germline): Uncertain significance. Review status: criteria provided, multiple submitters, no conflicts (2 of 4 stars). 2 submissions from 2 submitters: Uncertain significance (2). Last evaluated 2025-08-02.

Conditions:
Inborn genetic diseases. Identifiers: MedGen C0950123, MeSH D030342.
Vici syndrome (VICIS). Identifiers: Orphanet 1493, MedGen C1855772, MONDO:0009452, OMIM 242840.

Allele frequency attached by ClinVar (database versions not stated): gnomAD 0.00001; gnomAD exomes 0.00001; ExAC 0.00002; 1000 Genomes Project 30x 0.00016; 1000 Genomes Project 0.00020.
gnomAD v4.1: 6 of 1,613,512 alleles (0.00037%); highest among the groups gnomAD compares: South Asian, 0.0033%; no homozygotes.

Submissions (2):

Ambry Genetics
Classification: Uncertain significance for Inborn genetic diseases. Last evaluated: 2025-08-02. Review status: criteria provided, single submitter. Criteria: Ambry Variant Classification Scheme 2023. Collection method: clinical testing. Allele origin: germline.

Labcorp Genetics (formerly Invitae), Labcorp
Classification: Uncertain significance for Vici syndrome. Last evaluated: 2021-09-01. Review status: criteria provided, single submitter. Criteria: Invitae Variant Classification Sherloc (09022015). Collection method: clinical testing. Allele origin: germline.
Comment: This sequence change replaces proline with leucine at codon 1388 of the EPG5 protein (p.Pro1388Leu). The proline residue is moderately conserved and there is a moderate physicochemical difference between proline and leucine. This variant is present in population databases (rs543543733, ExAC 0.02%). This variant has not been reported in the literature in individuals affected with EPG5-related conditions. Algorithms developed to predict the effect of missense changes on protein structure and function output the following: SIFT: "Tolerated"; PolyPhen-2: "Benign"; Align-GVGD: "Class C0". The leucine amino acid residue is found in multiple mammalian species, which suggests that this missense change does not adversely affect protein function. In summary, the available evidence is currently insufficient to determine the role of this variant in disease. Therefore, it has been classified as a Variant of Uncertain Significance.